The following is an entry in ClinVar:

ClinVar aggregate classification (germline): Uncertain significance. Review status: criteria provided, multiple submitters, no conflicts (2 of 4 stars). 6 submissions from 6 submitters: Uncertain significance (5). 1 of the submissions does not count toward it. Last evaluated 2026-08-02.

Conditions:
BBS2-related disorder. Also called: BBS2-related disorders; BBS2-related condition. Identifiers: MedGen CN239228.
Retinitis pigmentosa 74 (RP74). Identifiers: Orphanet 791, MedGen C4225281, MONDO:0014692, OMIM 616562.
Bardet-Biedl syndrome 2 (BBS2). Identifiers: Orphanet 110, MedGen C2936863, MONDO:0014432, OMIM 615981.
Inborn genetic diseases. Identifiers: MedGen C0950123, MeSH D030342.
Bardet-Biedl syndrome (BBS). Identifiers: Orphanet 110, MedGen C0752166, MONDO:0015229.

Allele frequency attached by ClinVar (database versions not stated): gnomAD exomes 0.00004 and 0.00008; ExAC 0.00011; gnomAD 0.00027 and 0.00030; TOPMed 0.00037; ESP Exome Variant Server 0.00038.
gnomAD v4.1: 97 of 1,613,830 alleles (0.006%); highest among the groups gnomAD compares: African/African-American, 0.1%; no homozygotes.

Submissions (6):

PreventionGenetics, part of Exact Sciences
Classification: Uncertain significance for BBS2-related condition. Last evaluated: 2026-08-02. Review status: criteria provided, single submitter. Criteria: ACMG Guidelines, 2015. Collection method: clinical testing. Allele origin: germline.
Comment: The BBS2 c.358G>A variant is predicted to result in the amino acid substitution p.Ala120Thr. To our knowledge, this variant has not been reported in the literature. This variant is reported in 0.092% of alleles in individuals of African descent in gnomAD, which may be too common to be an undocumented primary cause of disease. Although we suspect that this variant may be benign, at this time, the clinical significance of this variant is uncertain due to the absence of conclusive functional and genetic evidence.

Labcorp Genetics (formerly Invitae), Labcorp
Classification: Uncertain significance for Bardet-Biedl syndrome. Last evaluated: 2026-01-26. Review status: criteria provided, single submitter. Criteria: Invitae Variant Classification Sherloc (09022015). Collection method: clinical testing. Allele origin: germline.
Comment: This sequence change replaces alanine, which is neutral and non-polar, with threonine, which is neutral and polar, at codon 120 of the BBS2 protein (p.Ala120Thr). This variant is present in population databases (rs148808295, gnomAD 0.1%). This variant has not been reported in the literature in individuals affected with BBS2-related conditions. ClinVar contains an entry for this variant (Variation ID: 410986). Invitae Evidence Modeling of protein sequence and biophysical properties (such as structural, functional, and spatial information, amino acid conservation, physicochemical variation, residue mobility, and thermodynamic stability) indicates that this missense variant is expected to disrupt BBS2 protein function with a positive predictive value of 80%. In summary, the available evidence is currently insufficient to determine the role of this variant in disease. Therefore, it has been classified as a Variant of Uncertain Significance.

Fulgent Genetics
Classification: Uncertain significance for Bardet-Biedl syndrome 2; Retinitis pigmentosa 74. Last evaluated: 2024-03-22. Review status: criteria provided, single submitter. Criteria: ACMG Guidelines, 2015. Collection method: clinical testing. Allele origin: germline.

Ambry Genetics
Classification: Uncertain significance for Inborn genetic diseases. Last evaluated: 2022-05-16. Review status: criteria provided, single submitter. Criteria: Ambry Variant Classification Scheme 2023. Collection method: clinical testing. Allele origin: germline.

Blueprint Genetics
Classification: Uncertain significance. Last evaluated: 2022-03-14. Review status: criteria provided, single submitter. Criteria: ACMG Guidelines, 2015. Collection method: clinical testing. Allele origin: germline.

Natera, Inc.
Classification: Uncertain significance for Bardet-Biedl syndrome type 2. Last evaluated: 2019-10-28. Review status: no assertion criteria provided. Collection method: clinical testing. Allele origin: germline. Not counted in ClinVar's aggregate classification.

NM_031885.5(BBS2):c.358G>A (p.Ala120Thr)

Gene: BBS2 (Bardet-Biedl syndrome 2; minus strand). Cytogenetic location: 16q13.
Variant type: single nucleotide variant.
Coding change: c.358G>A on transcript NM_031885.5 (MANE Select); coding-DNA position 358, G replaced by A.
Protein change: p.Ala120Thr; replaces alanine 120 with threonine.
Molecular consequence: missense variant. On other transcripts: non-coding transcript variant (5).
Genome position (GRCh38, 1-based): chr16:56,511,272, C>T on the plus strand (G>A on the coding strand, the complement: BBS2 is on the minus strand). VCF-style: chr16-56511272-C-T. GRCh37 (hg19) VCF-style: chr16-56545184-C-T.
Other names: c.358G>A, p.Ala120Thr (NM_001377456.1); short protein forms A120T.
Identifiers: ClinVar variation 410986 (VCV000410986.14), dbSNP rs148808295, ClinGen allele CA8066063.